The following is an entry in ClinVar:

ClinVar aggregate classification (germline): Uncertain significance (1 of 4 stars; one submission).

Allele frequency attached by ClinVar (database versions not stated): TOPMed below 0.00001.
gnomAD v4.1: 1 of 1,612,386 alleles (0.000062%); highest among the groups gnomAD compares: Non-Finnish European, 0.000085%; no homozygotes.

Submission:

GeneDx
Classification: Uncertain significance. Last evaluated: 2022-03-08. Review status: criteria provided, single submitter. Criteria: GeneDx Variant Classification Process June 2021. Collection method: clinical testing. Allele origin: germline. Affected: yes.
Comment: Not observed at significant frequency in large population cohorts (gnomAD); In silico analysis supports a deleterious effect on splicing; Has not been previously published as pathogenic or benign to our knowledge

NM_198334.3(GANAB):c.756C>T (p.Gly252=)

Gene: GANAB (glucosidase II alpha subunit; minus strand). Cytogenetic location: 11q12.3.
Variant type: single nucleotide variant.
Coding change: c.756C>T on transcript NM_198334.3 (MANE Select); coding-DNA position 756, C replaced by T.
Protein change: p.Gly252=; no amino-acid change (glycine 252 retained).
Molecular consequence: synonymous variant.
Genome position (GRCh38, 1-based): chr11:62,633,064, G>A on the plus strand (C>T on the coding strand, the complement: GANAB is on the minus strand). VCF-style: chr11-62633064-G-A. GRCh37 (hg19) VCF-style: chr11-62400536-G-A.
Other names: c.480C>T, p.Gly160= (NM_001278192.2); c.414C>T, p.Gly138= (NM_001278193.2); c.465C>T, p.Gly155= (NM_001278194.2, NM_001329222.2, NM_001329223.2); c.33C>T, p.Gly11= (NM_001329224.2, NM_001329225.2); c.822C>T, p.Gly274= (NM_198335.4).
Identifiers: ClinVar variation 1704739 (VCV001704739.2), dbSNP rs1943763393, ClinGen allele CA474874330.
Genomic context (GRCh38, chr11:62,633,064, plus strand): 5'-CTCAGTGACCTTCAGCCTCAGGTTGTCTGCATGCTCAGGGATCCCATAGACATGCTCCAT[G>A]CCTGGCAGAGAGAAGTCCAAACCCACAGACATGGGGCCTGGAAGAAAAACAAACAAGCTT-3'
Protein context (NP_938148.1, residues 242-262): MSVGLDFSLP[Gly252=]MEHVYGIPEH